The following is an entry in ClinVar:

NM_000077.5(CDKN2A):c.382C>G (p.Arg128Gly)

Gene: CDKN2A (cyclin dependent kinase inhibitor 2A; minus strand). Cytogenetic location: 9p21.3.
Variant type: single nucleotide variant.
Coding change: c.382C>G on transcript NM_000077.5; coding-DNA position 382, C replaced by G.
Protein change: p.Arg128Gly; replaces arginine 128 with glycine.
Molecular consequence: missense variant (on NM_000077.6). On other transcripts: 3 prime UTR variant (2).
Genome position (GRCh38, 1-based): chr9:21,970,977, G>C on the plus strand (C>G on the coding strand, the complement: CDKN2A is on the minus strand). VCF-style: chr9-21970977-G-C. GRCh37 (hg19) VCF-style: chr9-21970976-G-C.
Other names: c.382C>G, p.Arg128Gly (NM_000077.6, NM_001195132.2); c.229C>G, p.Arg77Gly (NM_001363763.2); c.*26C>G (NM_058195.4); c.*305C>G (NM_058197.5); short protein forms R128G, R77G.
Identifiers: ClinVar variation 1735329 (VCV001735329.2), dbSNP rs1563888826, ClinGen allele CA373085946.
Genomic context (GRCh38, chr9:21,970,977, plus strand): 5'-CGGCATCTATGCGGGCATGGTTACTGCCTCTGGTGCCCCCCGCAGCCGCGCGCAGGTACC[G>C]TGCGACATCGCGATGGCCCAGCTCCTCAGCCAGGTCCACGGGCAGACGGCCCCAGGCATC-3'
Protein context (NP_000068.1, residues 118-138): AEELGHRDVA[Arg128Gly]YLRAAAGGTR

ClinVar aggregate classification (germline): Uncertain significance (1 of 4 stars; one submission).

Conditions:
Hereditary cancer-predisposing syndrome. Also called: Hereditary Cancer Syndrome; Hereditary neoplastic syndrome; Neoplastic Syndromes, Hereditary; Tumor predisposition. Identifiers: Orphanet 140162, MedGen C0027672, MeSH D009386, MONDO:0015356.

Submission:

Ambry Genetics
Classification: Uncertain significance for Hereditary cancer-predisposing syndrome. Last evaluated: 2022-08-02. Review status: criteria provided, single submitter. Criteria: Ambry Variant Classification Scheme 2023. Collection method: clinical testing. Allele origin: germline.
Comment: The p.R128G variant (also known as c.382C>G), located in coding exon 2 of the CDKN2A gene, results from a C to G substitution at nucleotide position 382. The arginine at codon 128 is replaced by glycine, an amino acid with dissimilar properties. This amino acid position is poorly conserved in available vertebrate species. In addition, this alteration is predicted to be tolerated by in silico analysis. Since supporting evidence is limited at this time, the clinical significance of this alteration remains unclear.